The following is an entry in ClinVar:

ClinVar aggregate classification (germline): Likely benign (1 of 4 stars; one submission).

Submission:

CeGaT Center for Human Genetics Tuebingen
Classification: Likely benign. Last evaluated: 2023-05-01. Review status: criteria provided, single submitter. Criteria: CeGaT Center For Human Genetics Tuebingen Variant Classification Criteria Version 2. Collection method: clinical testing. Allele origin: germline. Affected: yes. Observed: 1 variant allele.
Comment: JRK: PM2:Supporting, BP4, BP7

NM_003724.4(JRK):c.1350A>C (p.Gly450=)

Gene: JRK (Jrk helix-turn-helix protein; minus strand). Cytogenetic location: 8q24.3.
Variant type: single nucleotide variant.
Coding change: c.1350A>C on transcript NM_003724.4 (MANE Select); coding-DNA position 1350, A replaced by C.
Protein change: p.Gly450=; no amino-acid change (glycine 450 retained).
Molecular consequence: synonymous variant.
Genome position (GRCh38, 1-based): chr8:142,664,709, T>G on the plus strand (A>C on the coding strand, the complement: JRK is on the minus strand). VCF-style: chr8-142664709-T-G. GRCh37 (hg19) VCF-style: chr8-143746128-T-G.
Other names: c.1350A>C, p.Gly450= (NM_001077527.3, NM_001279352.2).
Identifiers: ClinVar variation 2658883 (VCV002658883.24), dbSNP rs2539853463, ClinGen allele CA463502763.
Genomic context (GRCh38, chr8:142,664,709, plus strand): 5'-TTTCGGAGTCTTTTCTGAACTCCACACAACCTCTGCTGGCGACGTGGCAGCAGGGGGCCG[T>G]CCCCCTTCTGCCTCCCTTCCCGCTACCCCCCAGCTGGCGGCCTGGCGCTGGCGAAGCTGG-3'
Protein context (NP_003715.3, residues 440-460): WGVAGREAEG[Gly450=]RPPAATSPAE